The following is an entry in ClinVar:

ClinVar aggregate classification (germline): Conflicting classifications of pathogenicity. Review status: criteria provided, conflicting classifications (1 of 4 stars). 14 submissions from 13 submitters: Uncertain significance (10); Benign (1); Likely benign (3). Last evaluated 2026-01-28.

Conditions:
Cardiovascular phenotype. Identifiers: MedGen CN230736.
Arrhythmogenic right ventricular dysplasia 12. Also called: ARRHYTHMOGENIC RIGHT VENTRICULAR DYSPLASIA, FAMILIAL, 12. Identifiers: MedGen C1969081, MONDO:0012684, OMIM 611528.
Naxos disease (NXD). Also called: CARDIOMYOPATHY, ARRHYTHMOGENIC RIGHT VENTRICULAR, WITH SKIN, HAIR, AND NAIL ABNORMALITIES; KERATOSIS PALMOPLANTARIS WITH ARRHYTHMOGENIC CARDIOMYOPATHY; MAL DE NAXOS; PALMOPLANTAR KERATODERMA WITH ARRHYTHMOGENIC RIGHT VENTRICULAR CARDIOMYOPATHY AND WOOLLY HAIR; WOOLLY HAIR, PALMOPLANTAR KERATODERMA, AND CARDIAC ABNORMALITIES. Identifiers: Orphanet 34217, MedGen C1832600, MONDO:0011017, OMIM 601214.

Allele frequency attached by ClinVar (database versions not stated): ESP Exome Variant Server 0.00015; gnomAD 0.00021 and 0.00022; gnomAD exomes 0.00025 and 0.00026; ExAC 0.00026; TOPMed 0.00027.
gnomAD v4.1: 400 of 1,609,096 alleles (0.025%); highest among the groups gnomAD compares: Non-Finnish European, 0.03%; no homozygotes.

Submissions (14):

Labcorp Genetics (formerly Invitae), Labcorp
Classification: Uncertain significance for Arrhythmogenic right ventricular dysplasia 12; Naxos disease. Last evaluated: 2026-01-28. Review status: criteria provided, single submitter. Criteria: Invitae Variant Classification Sherloc (09022015). Collection method: clinical testing. Allele origin: germline.
Comment: This sequence change replaces proline, which is neutral and non-polar, with leucine, which is neutral and non-polar, at codon 736 of the JUP protein (p.Pro736Leu). This variant is present in population databases (rs151178348, gnomAD 0.05%). This missense change has been observed in individual(s) with Brugada syndrome (PMID: 26220970). ClinVar contains an entry for this variant (Variation ID: 45847). An algorithm developed to predict the effect of missense changes on protein structure and function (PolyPhen-2) suggests that this variant is likely to be tolerated. In summary, the available evidence is currently insufficient to determine the role of this variant in disease. Therefore, it has been classified as a Variant of Uncertain Significance.

Women's Health and Genetics/Laboratory Corporation of America, LabCorp
Classification: Likely benign. Last evaluated: 2026-01-05. Review status: criteria provided, single submitter. Criteria: LabCorp Variant Classification Summary - May 2015. Collection method: clinical testing. Allele origin: germline.
Comment: Variant summary: JUP c.2207C>T (p.Pro736Leu) results in a non-conservative amino acid change in the encoded protein sequence. Algorithms developed to predict the effect of missense changes on protein structure and function are either unavailable or do not agree on the potential impact of this missense change. The variant allele was found at a frequency of 0.00026 in 247486 control chromosomes. The observed variant frequency exceeds the estimated maximal expected allele frequency for disease-causing variants in JUP. c.2207C>T has been reported in the literature in individuals affected with Brugada Syndrome and sudden unexplained death (DiResta_2015, Neubauer_2018). These reports do not provide unequivocal conclusions about association of the variant with Arrhythmogenic Right Ventricular Dysplasia/Cardiomyopathy. To our knowledge, no experimental evidence demonstrating an impact on protein function has been reported. The following publications have been ascertained in the context of this evaluation (PMID: 26220970, 29350269). ClinVar contains an entry for this variant (Variation ID: 45847). Based on the evidence outlined above, the variant was classified as likely benign.

GeneDx
Classification: Uncertain significance. Last evaluated: 2025-12-15. Review status: criteria provided, single submitter. Criteria: GeneDx Variant Classification Process June 2021. Collection method: clinical testing. Allele origin: germline. Affected: yes.
Comment: Identified in a patient with Brugada syndrome and a patient with sudden unexplained death (SUD) in published literature (PMID: 26220970, 29334134, 29350269); Identified in patient with epidermolysis bullosa who also harbored several other variants including two COL7A1 variants (PMID: 29334134); In silico analysis suggests that this missense variant does not alter protein structure/function; This variant is associated with the following publications: (PMID: 26220970, 29350269, 29334134)

Clinical Genomics Laboratory, Stanford Medicine
Classification: Likely benign. Last evaluated: 2025-03-06. Review status: criteria provided, single submitter. Criteria: ACMG Guidelines, 2015. Collection method: clinical testing. Allele origin: germline. Observed: 1 variant allele, 1 heterozygote.
Comment: Since the original reporting of this variant, updated population data indicates that this variant is present in the population at an allele frequency higher than expected for a pathogenic variant. This variant has been identified in 350/1,177,270 European non-Finnish chromosomes (400/1,609,096 chromosomes overall) by the Genome Aggregation Database v4.1.0. This additional information provides sufficient evidence to update the classification of the JUP variant to likely benign.

Blueprint Genetics
Classification: Likely benign. Last evaluated: 2024-09-03. Review status: criteria provided, single submitter. Criteria: ACMG Guidelines, 2015. Collection method: clinical testing. Allele origin: germline.

Laboratory Cellgenetics, GMDL Cellgenetics
Classification: Uncertain significance for Arrhythmogenic right ventricular dysplasia 12; Naxos disease. Last evaluated: 2024-04-19. Review status: criteria provided, single submitter. Criteria: ACMG Guidelines, 2015. Collection method: clinical testing. Allele origin: biparental. Inheritance: Autosomal recessive inheritance. Affected: yes. Observed: 1 variant allele, 1 homozygote.
Comment: PS4_Supporting, PP1, PM2

Ambry Genetics
Classification: Benign for Cardiovascular phenotype. Last evaluated: 2022-05-03. Review status: criteria provided, single submitter. Criteria: Ambry Variant Classification Scheme 2023. Collection method: clinical testing. Allele origin: germline.

Fulgent Genetics
Classification: Uncertain significance for Naxos disease; Arrhythmogenic right ventricular dysplasia 12. Last evaluated: 2021-08-10. Review status: criteria provided, single submitter. Criteria: ACMG Guidelines, 2015. Collection method: clinical testing. Allele origin: unknown.

ARUP Laboratories, Molecular Genetics and Genomics, ARUP Laboratories
Classification: Uncertain significance. Last evaluated: 2020-12-17. Review status: criteria provided, single submitter. Criteria: ARUP Molecular Germline Variant Investigation Process 2021. Collection method: clinical testing. Allele origin: germline.
Comment: The p.Pro736Leu variant (rs151178348) has not been reported in the medical literature, gene specific variation databases, nor has it been previously identified by our laboratory. This variant is listed in the Genome Aggregation Database (gnomAD) with a frequency of 0.05 percent in the European Non-Finnish population (identified on 58 out of 125,094 chromosomes) and has been reported to the ClinVar database (Variation ID: 45847). The proline at position 736 is weakly conserved and computational analyses of the effects of the p.Pro736Leu variant on protein structure and function provide conflicting results (SIFT: tolerated, MutationTaster: disease causing, PolyPhen-2: benign). Altogether, there is not enough evidence to classify the p.Pro736Leu variant with certainty.

Revvity Omics, Revvity
Classification: Uncertain significance. Last evaluated: 2020-06-12. Review status: criteria provided, single submitter. Criteria: ACMG Guidelines, 2015. Collection method: clinical testing. Allele origin: germline.

Molecular Diagnostic Laboratory for Inherited Cardiovascular Disease, Montreal Heart Institute
Classification: Uncertain significance. Last evaluated: 2019-03-15. Review status: criteria provided, single submitter. Criteria: ACMG Guidelines, 2015. Collection method: clinical testing. Allele origin: germline. Affected: yes.

Illumina Laboratory Services, Illumina
Classification: Uncertain significance for Naxos disease. Last evaluated: 2018-01-13. Review status: criteria provided, single submitter. Criteria: ICSL Variant Classification Criteria 13 December 2019. Collection method: clinical testing. Allele origin: germline.

Illumina Laboratory Services, Illumina
Classification: Uncertain significance for Arrhythmogenic right ventricular dysplasia 12. Last evaluated: 2018-01-13. Review status: criteria provided, single submitter. Criteria: ICSL Variant Classification Criteria 13 December 2019. Collection method: clinical testing. Allele origin: germline.

Laboratory for Molecular Medicine, Mass General Brigham Personalized Medicine
Classification: Uncertain significance. Last evaluated: 2015-04-01. Review status: criteria provided, single submitter. Criteria: LMM Criteria. Collection method: clinical testing. Allele origin: germline. Observed: 6 variant alleles.
Comment: The p.Pro736Leu variant in JUP has been identified by our laboratory in 4 indivi duals (1 child with HCM, 1 adult and 1 child with DCM, and 1 child with RCM), 2 of whom carried clinically significant variants in other genes. This variant has also been identified in 0.04% (28/64990) of European chromosomes by the Exome A ggregation Consortium (ExAC; dbSNP rs151178348). Proline (Pro) at position 736 is not conserved in evolution and 1 mammal (Tenre c) carries a leucine (Leu) at this position, raising the possibility that this c hange may be tolerated. In summary, the clinical significance of the p.Pro736Leu variant is uncertain.

Literature cited by the submitters: PubMed 26220970 (cited by 3 submitters); PubMed 29350269 (cited by Women's Health and Genetics/Laboratory Corporation of America, LabCorp); PubMed 29334134 (cited by Ambry Genetics).

NM_002230.4(JUP):c.2207C>T (p.Pro736Leu)

Gene: JUP (junction plakoglobin; minus strand). Cytogenetic location: 17q21.2.
Variant type: single nucleotide variant.
Coding change: c.2207C>T on transcript NM_002230.4 (MANE Select); coding-DNA position 2207, C replaced by T.
Protein change: p.Pro736Leu; replaces proline 736 with leucine.
Molecular consequence: missense variant.
Genome position (GRCh38, 1-based): chr17:41,755,775, G>A on the plus strand (C>T on the coding strand, the complement: JUP is on the minus strand). VCF-style: chr17-41755775-G-A. GRCh37 (hg19) VCF-style: chr17-39912027-G-A.
Other names: p.P736L:CCG>CTG; c.2207C>T, p.Pro736Leu (NM_001352773.2, NM_001352774.2, NM_001352775.2 and 3 more transcripts); short protein forms P736L.
Identifiers: ClinVar variation 45847 (VCV000045847.40), dbSNP rs151178348, ClinGen allele CA137193.